The following is an entry in ClinVar:

ClinVar aggregate classification (germline): Uncertain significance. Review status: criteria provided, single submitter (1 of 4 stars). 2 submissions from 2 submitters: Uncertain significance (1). 1 of the submissions does not count toward it. Last evaluated 2019-03-05.

Conditions:
EHMT1-related disorder. Also called: EHMT1-related condition.

Allele frequency attached by ClinVar (database versions not stated): gnomAD exomes below 0.00001.
gnomAD v4.1: 1 of 1,613,876 alleles (0.000062%); highest among the groups gnomAD compares: Non-Finnish European, 0.000085%; no homozygotes.

Submissions (2):

Blueprint Genetics
Classification: Uncertain significance. Last evaluated: 2019-03-05. Review status: criteria provided, single submitter. Criteria: ACMG Guidelines, 2015. Collection method: clinical testing. Allele origin: germline.

PreventionGenetics, part of Exact Sciences
Classification: Uncertain significance for EHMT1-related condition. Last evaluated: 2024-08-17. Review status: no assertion criteria provided. Collection method: clinical testing. Allele origin: germline. Not counted in ClinVar's aggregate classification.
Comment: The EHMT1 c.2104G>A variant is predicted to result in the amino acid substitution p.Ala702Thr. To our knowledge, this variant has not been reported in the literature or in a large population database, indicating this variant is rare. At this time, the clinical significance of this variant is uncertain due to the absence of conclusive functional and genetic evidence.

NM_024757.5(EHMT1):c.2104G>A (p.Ala702Thr)

Gene: EHMT1 (euchromatic histone lysine methyltransferase 1; plus strand). Cytogenetic location: 9q34.3.
Variant type: single nucleotide variant.
Coding change: c.2104G>A on transcript NM_024757.5 (MANE Select); coding-DNA position 2104, G replaced by A.
Protein change: p.Ala702Thr; replaces alanine 702 with threonine.
Molecular consequence: missense variant.
Genome position (GRCh38, 1-based): chr9:137,777,967, G>A. VCF-style: chr9-137777967-G-A. GRCh37 (hg19) VCF-style: chr9-140672419-G-A.
Other names: c.2104G>A, p.Ala702Thr (NM_001145527.2); c.2011G>A, p.Ala671Thr (NM_001354259.2); c.2083G>A, p.Ala695Thr (NM_001354263.2); short protein forms A671T, A695T, A702T.
Identifiers: ClinVar variation 2628527 (VCV002628527.3), dbSNP rs2542394052, ClinGen allele CA375778758.
Genomic context (GRCh38, chr9:137,777,967, plus strand): 5'-GACGACAAGCTGCAGGGTGCAGCCTCCCACGTGCCCGAGGGCTTTGATCCAACGGGACCT[G>A]CTGGGCTTGGGAGGCCAACTCCCGGCCTTTCCCAGGGACCAGGGAAGGAAACCTTGGAGA-3'
Protein context (NP_079033.4, residues 692-712): VPEGFDPTGP[Ala702Thr]GLGRPTPGLS